The following is an entry in ClinVar:

ClinVar aggregate classification (germline): Uncertain significance. Review status: criteria provided, multiple submitters, no conflicts (2 of 4 stars). 2 submissions from 2 submitters: Uncertain significance (2). Last evaluated 2025-04-21.

Conditions:
Hereditary cancer-predisposing syndrome. Also called: Hereditary Cancer Syndrome; Hereditary neoplastic syndrome; Neoplastic Syndromes, Hereditary; Tumor predisposition. Identifiers: Orphanet 140162, MedGen C0027672, MeSH D009386, MONDO:0015356.
Oligodontia-cancer predisposition syndrome. Also called: TOOTH AGENESIS-COLORECTAL CANCER SYNDROME. Identifiers: Orphanet 300576, MedGen C1837750, MONDO:0012075, OMIM 608615. Disease mechanism: loss of function.

Submissions (2):

Labcorp Genetics (formerly Invitae), Labcorp
Classification: Uncertain significance for Oligodontia-cancer predisposition syndrome. Last evaluated: 2025-04-21. Review status: criteria provided, single submitter. Criteria: Invitae Variant Classification Sherloc (09022015). Collection method: clinical testing. Allele origin: germline.
Comment: This sequence change replaces leucine, which is neutral and non-polar, with phenylalanine, which is neutral and non-polar, at codon 481 of the AXIN2 protein (p.Leu481Phe). This variant is not present in population databases (gnomAD no frequency). This variant has not been reported in the literature in individuals affected with AXIN2-related conditions. ClinVar contains an entry for this variant (Variation ID: 1772707). An algorithm developed to predict the effect of missense changes on protein structure and function (PolyPhen-2) suggests that this variant is likely to be tolerated. In summary, the available evidence is currently insufficient to determine the role of this variant in disease. Therefore, it has been classified as a Variant of Uncertain Significance.

Ambry Genetics
Classification: Uncertain significance for Hereditary cancer-predisposing syndrome. Last evaluated: 2025-02-20. Review status: criteria provided, single submitter. Criteria: Ambry Variant Classification Scheme 2023. Collection method: clinical testing. Allele origin: germline.
Comment: The p.L481F variant (also known as c.1441C>T), located in coding exon 5 of the AXIN2 gene, results from a C to T substitution at nucleotide position 1441. The leucine at codon 481 is replaced by phenylalanine, an amino acid with highly similar properties. This amino acid position is conserved. In addition, this alteration is predicted to be tolerated by in silico analysis. Since supporting evidence is limited at this time, the clinical significance of this alteration remains unclear.

NM_004655.4(AXIN2):c.1441C>T (p.Leu481Phe)

Gene: AXIN2 (axin 2; minus strand). Cytogenetic location: 17q24.1.
Variant type: single nucleotide variant.
Coding change: c.1441C>T on transcript NM_004655.4 (MANE Select); coding-DNA position 1441, C replaced by T.
Protein change: p.Leu481Phe; replaces leucine 481 with phenylalanine.
Molecular consequence: missense variant.
Genome position (GRCh38, 1-based): chr17:65,537,595, G>A on the plus strand (C>T on the coding strand, the complement: AXIN2 is on the minus strand). VCF-style: chr17-65537595-G-A. GRCh37 (hg19) VCF-style: chr17-63533713-G-A.
Other names: c.1441C>T, p.Leu481Phe (NM_001363813.1); short protein forms L481F.
Identifiers: ClinVar variation 1772707 (VCV001772707.5), dbSNP rs1345875693, ClinGen allele CA400677490.